The following is an entry in ClinVar:

NM_001283009.2(RTEL1):c.2089C>T (p.Arg697Ter)

Genes: RTEL1 (regulator of telomere elongation helicase 1; plus strand), RTEL1-TNFRSF6B (RTEL1-TNFRSF6B readthrough (NMD candidate); plus strand). Cytogenetic location: 20q13.33.
Variant type: single nucleotide variant.
Coding change: c.2089C>T on transcript NM_001283009.2 (MANE Select); coding-DNA position 2089, C replaced by T.
Protein change: p.Arg697Ter; replaces arginine 697 with a stop codon.
Molecular consequence: nonsense. On other transcripts: non-coding transcript variant (1).
Genome position (GRCh38, 1-based): chr20:63,689,813, C>T. VCF-style: chr20-63689813-C-T. GRCh37 (hg19) VCF-style: chr20-62321166-C-T.
Other names: c.1420C>T, p.Arg474Ter (NM_001283010.1); c.2089C>T, p.Arg697Ter (NM_016434.4); c.2161C>T, p.Arg721Ter (NM_032957.5); short protein forms R697*, R721*, R474*.
Identifiers: ClinVar variation 959673 (VCV000959673.9), dbSNP rs768188490, ClinGen allele CA9965161.

ClinVar aggregate classification (germline): Pathogenic/Likely pathogenic. Review status: criteria provided, multiple submitters, no conflicts (2 of 4 stars). 2 submissions from 2 submitters: Pathogenic (1); Likely pathogenic (1). Last evaluated 2025-04-08.

Conditions:
Pulmonary fibrosis and/or bone marrow failure, Telomere-related, 3. Also called: PULMONARY FIBROSIS AND/OR BONE MARROW FAILURE SYNDROME, TELOMERE-RELATED, 3. Identifiers: Orphanet 2032, MedGen C4225346, MONDO:0014613, OMIM 616373.
Dyskeratosis congenita, autosomal recessive 5 (DKCB5). Identifiers: MedGen C3554656, MONDO:0014076, OMIM 615190.

Allele frequency attached by ClinVar (database versions not stated): TOPMed below 0.00001; gnomAD 0.00001.
gnomAD v4.1: 9 of 1,611,870 alleles (0.00056%); highest among the groups gnomAD compares: Non-Finnish European, 0.00076%; no homozygotes.

Submissions (2):

Labcorp Genetics (formerly Invitae), Labcorp
Classification: Pathogenic for Dyskeratosis congenita, autosomal recessive 5; Pulmonary fibrosis and/or bone marrow failure, Telomere-related, 3. Last evaluated: 2025-04-08. Review status: criteria provided, single submitter. Criteria: Invitae Variant Classification Sherloc (09022015). Collection method: clinical testing. Allele origin: germline.
Comment: This sequence change creates a premature translational stop signal (p.Arg697*) in the RTEL1 gene. It is expected to result in an absent or disrupted protein product. Loss-of-function variants in RTEL1 are known to be pathogenic (PMID: 23453664, 23959892, 25607374). This variant is present in population databases (rs768188490, gnomAD 0.006%). This variant has not been reported in the literature in individuals affected with RTEL1-related conditions. ClinVar contains an entry for this variant (Variation ID: 959673). Algorithms developed to predict the effect of sequence changes on RNA splicing suggest that this variant may disrupt the consensus splice site. For these reasons, this variant has been classified as Pathogenic.

Baylor Genetics
Classification: Likely pathogenic for Dyskeratosis congenita, autosomal recessive 5. Last evaluated: 2023-08-16. Review status: criteria provided, single submitter. Criteria: ACMG Guidelines, 2015. Collection method: clinical testing. Allele origin: unknown.

Literature cited by the submitters: PubMed 23453664 (cited by Labcorp Genetics (formerly Invitae), Labcorp); PubMed 23959892 (cited by Labcorp Genetics (formerly Invitae), Labcorp); PubMed 25607374 (cited by Labcorp Genetics (formerly Invitae), Labcorp).